The following is an entry in ClinVar:

ClinVar aggregate classification (germline): Uncertain significance (1 of 4 stars; one submission).

Conditions:
Severe myoclonic epilepsy in infancy (DRVT). Also called: Epileptic encephalopathy, early infantile, 6 (Dravet syndrome); Dravet syndrome; SEVERE MYOCLONIC EPILEPSY OF INFANCY; DEVELOPMENTAL AND EPILEPTIC ENCEPHALOPATHY 6A; Severe Myoclonic Epilepsy in Infancy (SMEI). Identifiers: Orphanet 33069, MedGen C0751122, MONDO:0100135, OMIM 607208.

Submission:

Labcorp Genetics (formerly Invitae), Labcorp
Classification: Uncertain significance for Severe myoclonic epilepsy in infancy. Last evaluated: 2023-02-16. Review status: criteria provided, single submitter. Criteria: Invitae Variant Classification Sherloc (09022015). Collection method: clinical testing. Allele origin: germline.
Comment: This variant has not been reported in the literature in individuals affected with SNX27-related conditions. ClinVar contains an entry for this variant (Variation ID: 1715806). An algorithm developed to predict the effect of missense changes on protein structure and function (PolyPhen-2) suggests that this variant is likely to be disruptive. In summary, the available evidence is currently insufficient to determine the role of this variant in disease. Therefore, it has been classified as a Variant of Uncertain Significance. This variant is not present in population databases (gnomAD no frequency). This sequence change replaces tyrosine, which is neutral and polar, with cysteine, which is neutral and slightly polar, at codon 183 of the SNX27 protein (p.Tyr183Cys).

NM_001330723.2(SNX27):c.548A>G (p.Tyr183Cys)

Gene: SNX27 (sorting nexin 27; plus strand). Cytogenetic location: 1q21.3.
Variant type: single nucleotide variant.
Coding change: c.548A>G on transcript NM_001330723.2 (MANE Select); coding-DNA position 548, A replaced by G.
Protein change: p.Tyr183Cys; replaces tyrosine 183 with cysteine.
Molecular consequence: missense variant.
Genome position (GRCh38, 1-based): chr1:151,658,239, A>G. VCF-style: chr1-151658239-A-G. GRCh37 (hg19) VCF-style: chr1-151630715-A-G.
Other names: c.548A>G, p.Tyr183Cys (NM_030918.6); short protein forms Y183C.
Identifiers: ClinVar variation 1715806 (VCV001715806.6), dbSNP rs2524982690, ClinGen allele CA341958310.